The following is an entry in ClinVar:

ClinVar aggregate classification (germline): Uncertain significance (1 of 4 stars; one submission).

Allele frequency attached by ClinVar (database versions not stated): gnomAD exomes 0.00003 and 0.00004; ExAC 0.00006; TOPMed 0.00008; gnomAD 0.00011; ESP Exome Variant Server 0.00016; 1000 Genomes Project 0.00020; 1000 Genomes Project 30x 0.00031.
gnomAD v4.1: 82 of 1,608,850 alleles (0.0051%); highest among the groups gnomAD compares: African/African-American, 0.017%; no homozygotes.

Submission:

Labcorp Genetics (formerly Invitae), Labcorp
Classification: Uncertain significance. Last evaluated: 2022-07-26. Review status: criteria provided, single submitter. Criteria: Invitae Variant Classification Sherloc (09022015). Collection method: clinical testing. Allele origin: germline.
Comment: This sequence change replaces arginine, which is basic and polar, with glutamine, which is neutral and polar, at codon 1027 of the DOCK6 protein (p.Arg1027Gln). This variant is present in population databases (rs202113172, gnomAD 0.02%). This variant has not been reported in the literature in individuals affected with DOCK6-related conditions. ClinVar contains an entry for this variant (Variation ID: 1350402). Algorithms developed to predict the effect of missense changes on protein structure and function (SIFT, PolyPhen-2, Align-GVGD) all suggest that this variant is likely to be tolerated. Algorithms developed to predict the effect of sequence changes on RNA splicing suggest that this variant may create or strengthen a splice site. In summary, the available evidence is currently insufficient to determine the role of this variant in disease. Therefore, it has been classified as a Variant of Uncertain Significance.

NM_020812.4(DOCK6):c.3080G>A (p.Arg1027Gln)

Gene: DOCK6 (dedicator of cytokinesis 6; minus strand). Cytogenetic location: 19p13.2.
Variant type: single nucleotide variant.
Coding change: c.3080G>A on transcript NM_020812.4 (MANE Select); coding-DNA position 3080, G replaced by A.
Protein change: p.Arg1027Gln; replaces arginine 1027 with glutamine.
Molecular consequence: missense variant.
Genome position (GRCh38, 1-based): chr19:11,222,895, C>T on the plus strand (G>A on the coding strand, the complement: DOCK6 is on the minus strand). VCF-style: chr19-11222895-C-T. GRCh37 (hg19) VCF-style: chr19-11333571-C-T.
Other names: c.3185G>A, p.Arg1062Gln (NM_001367830.1); short protein forms R1027Q, R1062Q.
Identifiers: ClinVar variation 1350402 (VCV001350402.5), dbSNP rs202113172, ClinGen allele CA9207358.
Genomic context (GRCh38, chr19:11,222,895, plus strand): 5'-ATGCGGGTGAATTCCATGCGCAGGGTCAGCAGGGCTGCTGGATTAGGGGACGACTGGAGC[C>T]GCGTGGCCACCTGCAGGAGAGGGGTGGCCATCAGTGATGTCAACATTGCTCCGCCTTCCA-3'
Protein context (NP_065863.2, residues 1017-1037): VRAHYKQVAT[Arg1027Gln]LQSSPNPAAL